The following is an entry in ClinVar:

NM_000553.6(WRN):c.485C>A (p.Thr162Lys)

Gene: WRN (WRN RecQ like helicase; plus strand). Cytogenetic location: 8p12.
Variant type: single nucleotide variant.
Coding change: c.485C>A on transcript NM_000553.6 (MANE Select); coding-DNA position 485, C replaced by A.
Protein change: p.Thr162Lys; replaces threonine 162 with lysine.
Molecular consequence: missense variant.
Genome position (GRCh38, 1-based): chr8:31,065,044, C>A. VCF-style: chr8-31065044-C-A. GRCh37 (hg19) VCF-style: chr8-30922560-C-A.
Other names: short protein forms T162K.
Identifiers: ClinVar variation 4712575 (VCV004712575.1).

ClinVar aggregate classification (germline): Uncertain significance (1 of 4 stars; one submission).

Conditions:
Werner syndrome (WRN). Identifiers: Orphanet 902, MedGen C0043119, MONDO:0010196, OMIM 277700.

Submission:

Labcorp Genetics (formerly Invitae), Labcorp
Classification: Uncertain significance for Werner syndrome. Last evaluated: 2025-02-08. Review status: criteria provided, single submitter. Criteria: Invitae Variant Classification Sherloc (09022015). Collection method: clinical testing. Allele origin: germline.
Comment: This sequence change replaces threonine, which is neutral and polar, with lysine, which is basic and polar, at codon 162 of the WRN protein (p.Thr162Lys). This variant is not present in population databases (gnomAD no frequency). This variant has not been reported in the literature in individuals affected with WRN-related conditions. An algorithm developed to predict the effect of missense changes on protein structure and function (PolyPhen-2) suggests that this variant is likely to be tolerated. In summary, the available evidence is currently insufficient to determine the role of this variant in disease. Therefore, it has been classified as a Variant of Uncertain Significance.